The following is an entry in ClinVar:

ClinVar aggregate classification (germline): Uncertain significance (1 of 4 stars; one submission).

Conditions:
Inborn genetic diseases. Identifiers: MedGen C0950123, MeSH D030342.

Submission:

Ambry Genetics
Classification: Uncertain significance for Inborn genetic diseases. Last evaluated: 2024-12-07. Review status: criteria provided, single submitter. Criteria: Ambry Variant Classification Scheme 2023. Collection method: clinical testing. Allele origin: germline.
Comment: The p.C1444R variant (also known as c.4330T>C), located in coding exon 30 of the ANKRD26 gene, results from a T to C substitution at nucleotide position 4330. The cysteine at codon 1444 is replaced by arginine, an amino acid with highly dissimilar properties. This amino acid position is conserved. In addition, this alteration is predicted to be tolerated by in silico analysis. Based on the available evidence, the clinical significance of this variant remains unclear.

NM_014915.3(ANKRD26):c.4330T>C (p.Cys1444Arg)

Gene: ANKRD26 (ankyrin repeat domain containing 26; minus strand). Cytogenetic location: 10p12.1.
Variant type: single nucleotide variant.
Coding change: c.4330T>C on transcript NM_014915.3 (MANE Select); coding-DNA position 4330, T replaced by C.
Protein change: p.Cys1444Arg; replaces cysteine 1444 with arginine.
Molecular consequence: missense variant.
Genome position (GRCh38, 1-based): chr10:27,017,678, A>G on the plus strand (T>C on the coding strand, the complement: ANKRD26 is on the minus strand). VCF-style: chr10-27017678-A-G. GRCh37 (hg19) VCF-style: chr10-27306607-A-G.
Other names: c.4327T>C, p.Cys1443Arg (NM_001256053.2); short protein forms C1443R, C1444R.
Identifiers: ClinVar variation 3394734 (VCV003394734.1).